The following is an entry in ClinVar:

NM_000214.3(JAG1):c.2804A>G (p.Glu935Gly)

Gene: JAG1 (jagged canonical Notch ligand 1; minus strand). Cytogenetic location: 20p12.2.
Variant type: single nucleotide variant.
Coding change: c.2804A>G on transcript NM_000214.3 (MANE Select); coding-DNA position 2804, A replaced by G.
Protein change: p.Glu935Gly; replaces glutamic acid 935 with glycine.
Molecular consequence: missense variant.
Genome position (GRCh38, 1-based): chr20:10,641,572, T>C on the plus strand (A>G on the coding strand, the complement: JAG1 is on the minus strand). VCF-style: chr20-10641572-T-C. GRCh37 (hg19) VCF-style: chr20-10622220-T-C.
Other names: short protein forms E935G.
Identifiers: ClinVar variation 4994203 (VCV004994203.1).

ClinVar aggregate classification (germline): Uncertain significance (1 of 4 stars; one submission).

Conditions:
JAG1-related disorder. Also called: JAG1-related disorders; JAG1-related condition.

Submission:

PreventionGenetics, part of Exact Sciences
Classification: Uncertain significance for JAG1-related condition. Last evaluated: 2026-08-11. Review status: criteria provided, single submitter. Criteria: ACMG Guidelines, 2015. Collection method: clinical testing. Allele origin: germline.
Comment: The JAG1 c.2804A>G variant is predicted to result in the amino acid substitution p.Glu935Gly. To our knowledge, this variant has not been reported in the literature or in a large population database (gnomAD), indicating this variant is rare. At this time, the clinical significance of this variant is uncertain due to the absence of conclusive functional and genetic evidence.